The following is an entry in ClinVar:

ClinVar aggregate classification (germline): Uncertain significance (1 of 4 stars; one submission).

Conditions:
Inborn genetic diseases. Identifiers: MedGen C0950123, MeSH D030342.

Submission:

Ambry Genetics
Classification: Uncertain significance for Inborn genetic diseases. Last evaluated: 2025-05-24. Review status: criteria provided, single submitter. Criteria: Ambry Variant Classification Scheme 2023. Collection method: clinical testing. Allele origin: germline.
Comment: The p.P765S variant (also known as c.2293C>T), located in coding exon 19 of the KDM1A gene, results from a C to T substitution at nucleotide position 2293. The proline at codon 765 is replaced by serine, an amino acid with similar properties. This amino acid position is conserved. In addition, this alteration is predicted to be deleterious by in silico analysis. Based on the available evidence, the clinical significance of this variant remains unclear.

NM_001009999.3(KDM1A):c.2293C>T (p.Pro765Ser)

Gene: KDM1A (lysine demethylase 1A; plus strand). Cytogenetic location: 1p36.12.
Variant type: single nucleotide variant.
Coding change: c.2293C>T on transcript NM_001009999.3 (MANE Select); coding-DNA position 2293, C replaced by T.
Protein change: p.Pro765Ser; replaces proline 765 with serine.
Molecular consequence: missense variant.
Genome position (GRCh38, 1-based): chr1:23,081,568, C>T. VCF-style: chr1-23081568-C-T. GRCh37 (hg19) VCF-style: chr1-23408061-C-T.
Other names: c.2239C>T, p.Pro747Ser (NM_001363654.2); c.2299C>T, p.Pro767Ser (NM_001410762.1); c.2221C>T, p.Pro741Ser (NM_001410763.1, NM_015013.4); short protein forms P741S, P747S, P767S, P765S.
Identifiers: ClinVar variation 4042154 (VCV004042154.1).